The following is an entry in ClinVar:

ClinVar aggregate classification (germline): Pathogenic. Review status: criteria provided, single submitter (1 of 4 stars). 2 submissions from 2 submitters: Pathogenic (1). 1 of the submissions does not count toward it. Last evaluated 2018-02-19.

Conditions:
Autosomal recessive nonsyndromic hearing loss 70. Also called: Deafness, autosomal recessive 70. Identifiers: Orphanet 90636, MedGen C1824925, MONDO:0013978, OMIM 614934.
PNPT1-related disorder. Also called: PNPT1-related condition; PNPT1-related disorders.

Submissions (2):

Baylor Genetics
Classification: Pathogenic for Autosomal recessive nonsyndromic hearing loss 70. Last evaluated: 2018-02-19. Review status: criteria provided, single submitter. Criteria: ACMG Guidelines, 2015. Collection method: clinical testing. Allele origin: maternal. Affected: yes.
Comment: This variant was determined to be pathogenic according to ACMG Guidelines, 2015 [PMID:25741868].

PreventionGenetics, part of Exact Sciences
Classification: Likely pathogenic for PNPT1-related condition. Last evaluated: 2023-10-26. Review status: no assertion criteria provided. Collection method: clinical testing. Allele origin: germline. Not counted in ClinVar's aggregate classification.
Comment: The PNPT1 c.918delA variant is predicted to result in a frameshift and premature protein termination (p.Val307Phefs*10). To our knowledge, this variant has not been reported in the literature or in a large population database, indicating this variant is rare. Frameshift variants in PNPT1 are expected to be pathogenic. This variant is interpreted as likely pathogenic.

NM_033109.5(PNPT1):c.918del (p.Val307fs)

Gene: PNPT1 (polyribonucleotide nucleotidyltransferase 1; minus strand). Cytogenetic location: 2p16.1.
Variant type: Deletion.
Coding change: c.918del on transcript NM_033109.5 (MANE Select); coding-DNA position 918, one base deleted (A; older notation c.918delA).
Protein change: p.Val307fs; shifts the reading frame from valine 307.
Molecular consequence: frameshift variant.
Genome position (GRCh38, 1-based): chr2:55,671,995, T deleted on the plus strand (A on the coding strand, the reverse complement: PNPT1 is on the minus strand); the first of 3 consecutive T bases (chr2:55,671,995-55,671,997); deleting any one gives the same sequence. VCF-style (leftmost placement, unchanged base first): chr2-55671994-CT-C. GRCh37 (hg19) VCF-style: chr2-55899129-CT-C.
Other names: c.918delA (NM_033109.4); short protein forms V307fs.
Identifiers: ClinVar variation 1034190 (VCV001034190.3), dbSNP rs1696930196, ClinGen allele CA1252401040.